The following is an entry in ClinVar:

ClinVar aggregate classification (germline): Uncertain significance (1 of 4 stars; one submission).

Conditions:
Neu-Laxova syndrome 2. Identifiers: Orphanet 2671, Orphanet 583602, MedGen C4015019, MONDO:0014466, OMIM 616038.

Allele frequency attached by ClinVar (database versions not stated): gnomAD 0.00001; TOPMed below 0.00001.

Submission:

Labcorp Genetics (formerly Invitae), Labcorp
Classification: Uncertain significance for Neu-Laxova syndrome 2. Last evaluated: 2022-08-21. Review status: criteria provided, single submitter. Criteria: Invitae Variant Classification Sherloc (09022015). Collection method: clinical testing. Allele origin: germline.
Comment: This sequence change replaces lysine, which is basic and polar, with glutamic acid, which is acidic and polar, at codon 71 of the PSAT1 protein (p.Lys71Glu). This variant is not present in population databases (gnomAD no frequency). This variant has not been reported in the literature in individuals affected with PSAT1-related conditions. ClinVar contains an entry for this variant (Variation ID: 1429694). Algorithms developed to predict the effect of missense changes on protein structure and function (SIFT, PolyPhen-2, Align-GVGD) all suggest that this variant is likely to be tolerated. In summary, the available evidence is currently insufficient to determine the role of this variant in disease. Therefore, it has been classified as a Variant of Uncertain Significance.

NM_058179.4(PSAT1):c.211A>G (p.Lys71Glu)

Gene: PSAT1 (phosphoserine aminotransferase 1; plus strand). Cytogenetic location: 9q21.2.
Variant type: single nucleotide variant.
Coding change: c.211A>G on transcript NM_058179.4 (MANE Select); coding-DNA position 211, A replaced by G.
Protein change: p.Lys71Glu; replaces lysine 71 with glutamic acid.
Molecular consequence: missense variant.
Genome position (GRCh38, 1-based): chr9:78,304,754, A>G. VCF-style: chr9-78304754-A-G. GRCh37 (hg19) VCF-style: chr9-80919670-A-G.
Other names: c.211A>G, p.Lys71Glu (NM_021154.5); short protein forms K71E.
Identifiers: ClinVar variation 1429694 (VCV001429694.3), dbSNP rs1828155986, ClinGen allele CA373872017.